The following is an entry in ClinVar:

ClinVar aggregate classification (germline): Uncertain significance (1 of 4 stars; one submission).

Conditions:
Acromesomelic dysplasia 1, Maroteaux type (AMD1). Also called: ST. HELENA DYSPLASIA; ACROMESOMELIC DYSPLASIA 1. Identifiers: Orphanet 40, MedGen C1864356, MONDO:0011275, OMIM 602875.
Tall stature-scoliosis-macrodactyly of the great toes syndrome. Also called: Epiphyseal chondrodysplasia, miura type. Identifiers: Orphanet 329191, MedGen C4014690, MONDO:0014401, OMIM 615923.

Submission:

Labcorp Genetics (formerly Invitae), Labcorp
Classification: Uncertain significance for Tall stature-scoliosis-macrodactyly of the great toes syndrome; Acromesomelic dysplasia 1, Maroteaux type. Last evaluated: 2022-02-04. Review status: criteria provided, single submitter. Criteria: Invitae Variant Classification Sherloc (09022015). Collection method: clinical testing. Allele origin: germline.
Comment: In summary, the available evidence is currently insufficient to determine the role of this variant in disease. Therefore, it has been classified as a Variant of Uncertain Significance. Algorithms developed to predict the effect of missense changes on protein structure and function (SIFT, PolyPhen-2, Align-GVGD) all suggest that this variant is likely to be disruptive. This variant has not been reported in the literature in individuals affected with NPR2-related conditions. This variant is not present in population databases (gnomAD no frequency). This sequence change replaces asparagine, which is neutral and polar, with isoleucine, which is neutral and non-polar, at codon 649 of the NPR2 protein (p.Asn649Ile).

NM_003995.4(NPR2):c.1946A>T (p.Asn649Ile)

Gene: NPR2 (natriuretic peptide receptor 2; plus strand). Cytogenetic location: 9p13.3.
Variant type: single nucleotide variant.
Coding change: c.1946A>T on transcript NM_003995.4 (MANE Select); coding-DNA position 1946, A replaced by T.
Protein change: p.Asn649Ile; replaces asparagine 649 with isoleucine.
Molecular consequence: missense variant.
Genome position (GRCh38, 1-based): chr9:35,805,569, A>T. VCF-style: chr9-35805569-A-T. GRCh37 (hg19) VCF-style: chr9-35805566-A-T.
Other names: c.1955A>T, p.Asn652Ile (NM_001378923.1); short protein forms N652I, N649I.
Identifiers: ClinVar variation 1399699 (VCV001399699.8), dbSNP rs761833821, ClinGen allele CA373376445.
Genomic context (GRCh38, chr9:35,805,569, plus strand): 5'-AGGGCATGGCCTTTCTCCACAACAGCATTATTTCATCGCATGGGAGTCTCAAGTCCTCCA[A>T]CTGTGTGGTGGATAGTCGTTTTGTGCTCAAAATCACAGACTATGGCCTGGCCAGCTTCCG-3'
Protein context (NP_003986.2, residues 639-659): ISSHGSLKSS[Asn649Ile]CVVDSRFVLK